The following is an entry in ClinVar:

NC_000011.9:g.(?_653942)_(654071_?)del

Gene: DEAF1 (DEAF1 transcription factor; minus strand). Cytogenetic location: 11p15.5.
Variant type: Deletion.
Identifiers: ClinVar variation 2426648 (VCV002426648.4).

ClinVar aggregate classification (germline): Uncertain significance (1 of 4 stars; one submission).

Submission:

Labcorp Genetics (formerly Invitae), Labcorp
Classification: Uncertain significance. Last evaluated: 2022-12-13. Review status: criteria provided, single submitter. Criteria: Invitae Variant Classification Sherloc (09022015). Collection method: clinical testing. Allele origin: germline.
Comment: Experimental studies and prediction algorithms are not available or were not evaluated, and the functional significance of this variant is currently unknown. In summary, the available evidence is currently insufficient to determine the role of this variant in disease. Therefore, it has been classified as a Variant of Uncertain Significance. This variant disrupts a region of the DEAF1 protein in which other variant(s) (p.Phe527del) have been observed in individuals with DEAF1-related conditions (PMID: 30923367). This suggests that this is a clinically significant region of the protein, and that variants that disrupt it are likely to be disease-causing. This variant has not been reported in the literature in individuals affected with DEAF1-related conditions. This variant is a gross deletion of the genomic region encompassing exon(s) 11 of the DEAF1 gene. This variant would be expected to be in-frame, preserving the integrity of the reading frame.

Literature cited by the submitters: PubMed 30923367.